The following is an entry in ClinVar:

ClinVar aggregate classification (germline): Uncertain significance (1 of 4 stars; one submission).

Submission:

GeneDx
Classification: Uncertain significance. Last evaluated: 2026-03-12. Review status: criteria provided, single submitter. Criteria: GeneDx Variant Classification Process June 2021. Collection method: clinical testing. Allele origin: germline.
Comment: Not observed at significant frequency in large population cohorts (gnomAD); Canonical splice site variant in a gene or region of a gene for which loss of function is not a well-established mechanism of disease; Has not been previously published as pathogenic or benign to our knowledge.

NM_001321571.2(CAMK2D):c.275+1G>A

Gene: CAMK2D (calcium/calmodulin dependent protein kinase II delta; minus strand). Cytogenetic location: 4q26.
Variant type: single nucleotide variant.
Coding change: c.275+1G>A on transcript NM_001321571.2 (MANE Select); the canonical splice donor site of the intron after coding-DNA position 275, G replaced by A.
Molecular consequence: splice donor variant.
Genome position (GRCh38, 1-based): chr4:113,609,151, C>T on the plus strand (G>A on the coding strand, the complement: CAMK2D is on the minus strand). VCF-style: chr4-113609151-C-T. GRCh37 (hg19) VCF-style: chr4-114530307-C-T.
Other names: c.-241+1G>A (NM_001321578.2); c.275+1G>A (NM_001321577.2, NM_001399855.1, NM_001399858.1 and 33 more transcripts); c.-186+1G>A (NM_001399864.1, NM_001399863.1); c.158+1G>A (NM_001399861.1, NM_001399862.1, NM_001399860.1 and 2 more transcripts); c.-314+1G>A (NM_001399865.1, NM_001321585.2).
Identifiers: ClinVar variation 5009050 (VCV005009050.1).